The following is an entry in ClinVar:

NM_173500.4(TTBK2):c.1081G>A (p.Val361Ile)

Gene: TTBK2 (tau tubulin kinase 2; minus strand). Cytogenetic location: 15q15.2.
Variant type: single nucleotide variant.
Coding change: c.1081G>A on transcript NM_173500.4 (MANE Select); coding-DNA position 1081, G replaced by A.
Protein change: p.Val361Ile; replaces valine 361 with isoleucine.
Molecular consequence: missense variant.
Genome position (GRCh38, 1-based): chr15:42,783,535, C>T on the plus strand (G>A on the coding strand, the complement: TTBK2 is on the minus strand). VCF-style: chr15-42783535-C-T. GRCh37 (hg19) VCF-style: chr15-43075733-C-T.
Other names: short protein forms V361I.
Identifiers: ClinVar variation 4192840 (VCV004192840.2).

ClinVar aggregate classification (germline): Uncertain significance. Review status: criteria provided, multiple submitters, no conflicts (2 of 4 stars). 2 submissions from 2 submitters: Uncertain significance (2). Last evaluated 2025-08-07.

Conditions:
Inborn genetic diseases. Identifiers: MedGen C0950123, MeSH D030342.

gnomAD v4.1: 52 of 1,614,130 alleles (0.0032%); highest among the groups gnomAD compares: Admixed American, 0.005%; no homozygotes.

Submissions (2):

Ambry Genetics
Classification: Uncertain significance for Inborn genetic diseases. Last evaluated: 2025-08-07. Review status: criteria provided, single submitter. Criteria: Ambry Variant Classification Scheme 2023. Collection method: clinical testing. Allele origin: germline.

Athena Diagnostics
Classification: Uncertain significance. Last evaluated: 2025-05-28. Review status: criteria provided, single submitter. Criteria: Athena Diagnostics Criteria. Collection method: clinical testing. Allele origin: unknown.
Comment: Available data are insufficient to determine the clinical significance of the variant at this time. The frequency of this variant in the general population is uninformative in assessment of its pathogenicity. This variant has been seen where an alternate explanation for disease was also identified, suggesting this variant may not cause disease. Polyphen and MutationTaster predict this amino acid change may be benign.